The following is an entry in ClinVar:

NM_001291303.3(FAT4):c.14644G>A (p.Asp4882Asn)

Gene: FAT4 (FAT atypical cadherin 4; plus strand). Cytogenetic location: 4q28.1.
Variant type: single nucleotide variant.
Coding change: c.14644G>A on transcript NM_001291303.3 (MANE Select); coding-DNA position 14644, G replaced by A.
Protein change: p.Asp4882Asn; replaces aspartic acid 4882 with asparagine.
Molecular consequence: missense variant.
Genome position (GRCh38, 1-based): chr4:125,491,460, G>A. VCF-style: chr4-125491460-G-A. GRCh37 (hg19) VCF-style: chr4-126412615-G-A.
Other names: c.14641G>A, p.Asp4881Asn (NM_001291285.3); c.14638G>A, p.Asp4880Asn (NM_024582.6); short protein forms D4880N, D4881N, D4882N.
Identifiers: ClinVar variation 2498960 (VCV002498960.28), dbSNP rs1181537337, ClinGen allele CA358143171.
Genomic context (GRCh38, chr4:125,491,460, plus strand): 5'-CCAATGGTATATACTTCCAGAATGCCCAAATTATCTCAAGTCAATGAATCTGATGCAGAT[G>A]ATGAAGATAATTATGGAGCCAGACTGAAGCCTCGAAGGTACCACGGTCGCAGGGCCGAGG-3'
Protein context (NP_001278232.1, residues 4872-4892): LSQVNESDAD[Asp4882Asn]EDNYGARLKP

ClinVar aggregate classification (germline): Uncertain significance (1 of 4 stars; one submission).

Allele frequency attached by ClinVar (database versions not stated): gnomAD exomes below 0.00001.
gnomAD v4.1: 4 of 1,614,196 alleles (0.00025%); highest among the groups gnomAD compares: Non-Finnish European, 0.00025%; no homozygotes.

Submission:

CeGaT Center for Human Genetics Tuebingen
Classification: Uncertain significance. Last evaluated: 2022-09-01. Review status: criteria provided, single submitter. Criteria: CeGaT Center For Human Genetics Tuebingen Variant Classification Criteria Version 2. Collection method: clinical testing. Allele origin: germline. Affected: yes. Observed: 1 variant allele.
Comment: FAT4: PM2, PP3